The following is an entry in ClinVar:

ClinVar aggregate classification (germline): Likely pathogenic (1 of 4 stars; one submission).

Submission:

GeneDx
Classification: Likely pathogenic. Last evaluated: 2025-09-11. Review status: criteria provided, single submitter. Criteria: GeneDx Variant Classification Process June 2021. Collection method: clinical testing. Allele origin: germline.
Comment: Not observed at significant frequency in large population cohorts (gnomAD); In silico analysis supports that this missense variant has a deleterious effect on protein structure/function; This variant is associated with the following publications: (PMID: 38965372)

NM_138792.4(LEO1):c.1478C>G (p.Pro493Arg)

Gene: LEO1 (LEO1 component of Paf1/RNA polymerase II complex; minus strand). Cytogenetic location: 15q21.2.
Variant type: single nucleotide variant.
Coding change: c.1478C>G on transcript NM_138792.4 (MANE Select); coding-DNA position 1478, C replaced by G.
Protein change: p.Pro493Arg; replaces proline 493 with arginine.
Molecular consequence: missense variant.
Genome position (GRCh38, 1-based): chr15:51,951,977, G>C on the plus strand (C>G on the coding strand, the complement: LEO1 is on the minus strand). VCF-style: chr15-51951977-G-C. GRCh37 (hg19) VCF-style: chr15-52244174-G-C.
Other names: c.1298C>G, p.Pro433Arg (NM_001286430.2); c.1478C>G, p.Pro493Arg (NM_001323903.2, NM_001323904.2, NM_001426597.1 and 1 more transcripts); short protein forms P433R, P493R.
Identifiers: ClinVar variation 3343383 (VCV003343383.2).